The following is an entry in ClinVar:

NM_004484.4(GPC3):c.1033-4234G>A

Gene: GPC3 (glypican 3; minus strand). Cytogenetic location: Xq26.2.
Variant type: single nucleotide variant.
Coding change: c.1033-4234G>A on transcript NM_004484.4 (MANE Select); 4234 bases into the intron before coding-DNA position 1033, G replaced by A.
Molecular consequence: intron variant. On other transcripts: synonymous variant (1).
Genome position (GRCh38, 1-based): chrX:133,704,262, C>T on the plus strand (G>A on the coding strand, the complement: GPC3 is on the minus strand). VCF-style: chrX-133704262-C-T. GRCh37 (hg19) VCF-style: chrX-132838290-C-T.
Other names: c.1044G>A, p.Lys348= (NM_001164617.2); c.871-4234G>A (NM_001164619.2); c.985-4234G>A (NM_001164618.2); c.1044G>A (NM_001164617.1).
Identifiers: ClinVar variation 1277398 (VCV001277398.5), dbSNP rs191390195, ClinGen allele CA10520751.

ClinVar aggregate classification (germline): Benign/Likely benign. Review status: criteria provided, multiple submitters, no conflicts (2 of 4 stars). 4 submissions from 4 submitters: Benign (2); Likely benign (1). 1 of the submissions does not count toward it. Last evaluated 2024-11-26.

Conditions:
GPC3-related disorder. Also called: GPC3-related condition.

Allele frequency attached by ClinVar (database versions not stated): gnomAD exomes 0.00119 and 0.00293; ExAC 0.00704; 1000 Genomes Project 0.01377; ESP Exome Variant Server 0.01417; 1000 Genomes Project 30x 0.01519; gnomAD 0.01524 and 0.01627; TOPMed 0.01647.

Submissions (4):

Blueprint Genetics
Classification: Likely benign. Last evaluated: 2024-11-26. Review status: criteria provided, single submitter. Criteria: ACMG Guidelines, 2015. Collection method: clinical testing. Allele origin: germline.

GeneDx
Classification: Benign. Last evaluated: 2018-11-15. Review status: criteria provided, single submitter. Criteria: GeneDx Variant Classification Process June 2021. Collection method: clinical testing. Allele origin: germline. Affected: yes.

Breakthrough Genomics
Classification: Benign. Review status: criteria provided, single submitter. Criteria: ACMG Guidelines, 2015. Collection method: not provided. Allele origin: germline. Inheritance: X-linked inheritance. Affected: yes.

PreventionGenetics, part of Exact Sciences
Classification: Benign for GPC3-related condition. Last evaluated: 2019-03-21. Review status: no assertion criteria provided. Collection method: clinical testing. Allele origin: germline. Not counted in ClinVar's aggregate classification.
Comment: This variant is classified as benign based on ACMG/AMP sequence variant interpretation guidelines (Richards et al. 2015 PMID: 25741868, with internal and published modifications).